The following is an entry in ClinVar:

ClinVar aggregate classification (germline): Uncertain significance (1 of 4 stars; one submission).

Conditions:
Spinocerebellar ataxia, autosomal recessive, with axonal neuropathy 2 (SCAN2). Also called: ATAXIA-OCULOMOTOR APRAXIA 2; Ataxia-ocular apraxia-2; Ataxia with Oculomotor Apraxia Type 2; Ataxia with Oculomotor Apraxia. Identifiers: Orphanet 64753, MedGen C1853761, MONDO:0018996, OMIM 606002.
Amyotrophic lateral sclerosis type 4 (ALS4). Also called: AMYOTROPHIC LATERAL SCLEROSIS 4, JUVENILE; NEURONOPATHY, DISTAL HEREDITARY MOTOR, WITH PYRAMIDAL FEATURES. Identifiers: Orphanet 357043, MedGen C1865409, MONDO:0011223, OMIM 602433.

Submission:

Labcorp Genetics (formerly Invitae), Labcorp
Classification: Uncertain significance for Amyotrophic lateral sclerosis type 4; Spinocerebellar ataxia, autosomal recessive, with axonal neuropathy 2. Last evaluated: 2021-11-23. Review status: criteria provided, single submitter. Criteria: Invitae Variant Classification Sherloc (09022015). Collection method: clinical testing. Allele origin: germline.
Comment: In summary, the available evidence is currently insufficient to determine the role of this variant in disease. Therefore, it has been classified as a Variant of Uncertain Significance. Advanced modeling of protein sequence and biophysical properties (such as structural, functional, and spatial information, amino acid conservation, physicochemical variation, residue mobility, and thermodynamic stability) performed at Invitae indicates that this missense variant is not expected to disrupt SETX protein function. This variant has not been reported in the literature in individuals affected with SETX-related conditions. This variant is not present in population databases (gnomAD no frequency). This sequence change replaces lysine, which is basic and polar, with glutamic acid, which is acidic and polar, at codon 774 of the SETX protein (p.Lys774Glu).

NM_015046.7(SETX):c.2320A>G (p.Lys774Glu)

Gene: SETX (senataxin; minus strand). Cytogenetic location: 9q34.13.
Variant type: single nucleotide variant.
Coding change: c.2320A>G on transcript NM_015046.7 (MANE Select); coding-DNA position 2320, A replaced by G.
Protein change: p.Lys774Glu; replaces lysine 774 with glutamic acid.
Molecular consequence: missense variant.
Genome position (GRCh38, 1-based): chr9:132,329,278, T>C on the plus strand (A>G on the coding strand, the complement: SETX is on the minus strand). VCF-style: chr9-132329278-T-C. GRCh37 (hg19) VCF-style: chr9-135204665-T-C.
Other names: c.2320A>G, p.Lys774Glu (NM_001351527.2, NM_001351528.2); short protein forms K774E.
Identifiers: ClinVar variation 1490575 (VCV001490575.6), dbSNP rs2131453786, ClinGen allele CA375336321.
Genomic context (GRCh38, chr9:132,329,278, plus strand): 5'-CATGTGATAACTTTGCACAGATTTCATCTTTCTGTACCTTAGTTTTTCGTTTTGAGGTTT[T>C]AGCAAGAGCATCATCCTTTAAAGAGAAATCTTCATTCGATGTGGACACTTTTTCCAAAGC-3'
Protein context (NP_055861.3, residues 764-784): DFSLKDDALA[Lys774Glu]TSKRKTKVQK